The following is an entry in ClinVar:

ClinVar aggregate classification (germline): Uncertain significance. Review status: criteria provided, multiple submitters, no conflicts (2 of 4 stars). 4 submissions from 4 submitters: Uncertain significance (3). 1 of the submissions does not count toward it. Last evaluated 2025-12-05.

Conditions:
Inborn genetic diseases. Identifiers: MedGen C0950123, MeSH D030342.
Zellweger spectrum disorders (ZS). Also called: Zellweger syndrome; Zellweger Spectrum Disorder (ZSD); Zellweger Spectrum Disorder; Zellweger Spectrum. Identifiers: Orphanet 912, MedGen C0043459, MONDO:0019609.

Allele frequency attached by ClinVar (database versions not stated): gnomAD exomes below 0.00001.
gnomAD v4.1: 2 of 1,613,194 alleles (0.00012%); highest among the groups gnomAD compares: Admixed American, 0.0033%; no homozygotes.

Submissions (4):

Ambry Genetics
Classification: Uncertain significance for Inborn genetic diseases. Last evaluated: 2025-12-05. Review status: criteria provided, single submitter. Criteria: Ambry Variant Classification Scheme 2023. Collection method: clinical testing. Allele origin: germline.

Mayo Clinic Laboratories, Mayo Clinic
Classification: Uncertain significance. Last evaluated: 2022-01-11. Review status: criteria provided, single submitter. Criteria: ACMG Guidelines, 2015. Collection method: clinical testing. Allele origin: germline.

Labcorp Genetics (formerly Invitae), Labcorp
Classification: Uncertain significance for Zellweger spectrum disorders. Last evaluated: 2021-09-12. Review status: criteria provided, single submitter. Criteria: Invitae Variant Classification Sherloc (09022015). Collection method: clinical testing. Allele origin: germline.
Comment: This sequence change replaces serine with asparagine at codon 898 of the PEX1 protein (p.Ser898Asn). The serine residue is highly conserved and there is a small physicochemical difference between serine and asparagine. This variant is not present in population databases (ExAC no frequency). This variant has not been reported in the literature in individuals affected with PEX1-related conditions. Algorithms developed to predict the effect of missense changes on protein structure and function are either unavailable or do not agree on the potential impact of this missense change (SIFT: "Tolerated"; PolyPhen-2: "Possibly Damaging"; Align-GVGD: "Class C0"). In summary, the available evidence is currently insufficient to determine the role of this variant in disease. Therefore, it has been classified as a Variant of Uncertain Significance.

Natera, Inc.
Classification: Uncertain significance for Zellweger syndrome. Last evaluated: 2020-10-14. Review status: no assertion criteria provided. Collection method: clinical testing. Allele origin: germline. Not counted in ClinVar's aggregate classification.

NM_000466.3(PEX1):c.2693G>A (p.Ser898Asn)

Gene: PEX1 (peroxisomal biogenesis factor 1; minus strand). Cytogenetic location: 7q21.2.
Variant type: single nucleotide variant.
Coding change: c.2693G>A on transcript NM_000466.3 (MANE Select); coding-DNA position 2693, G replaced by A.
Protein change: p.Ser898Asn; replaces serine 898 with asparagine.
Molecular consequence: missense variant.
Genome position (GRCh38, 1-based): chr7:92,499,729, C>T on the plus strand (G>A on the coding strand, the complement: PEX1 is on the minus strand). VCF-style: chr7-92499729-C-T. GRCh37 (hg19) VCF-style: chr7-92129043-C-T.
Other names: p.Ser898Asn; c.2522G>A, p.Ser841Asn (NM_001282677.2); c.2069G>A, p.Ser690Asn (NM_001282678.2); short protein forms S690N, S841N, S898N.
Identifiers: ClinVar variation 848834 (VCV000848834.13), dbSNP rs1791831263, ClinGen allele CA368173308.